The following is an entry in ClinVar:

NM_014014.5(SNRNP200):c.2578C>A (p.Gln860Lys)

Gene: SNRNP200 (small nuclear ribonucleoprotein U5 subunit 200; minus strand). Cytogenetic location: 2q11.2.
Variant type: single nucleotide variant.
Coding change: c.2578C>A on transcript NM_014014.5 (MANE Select); coding-DNA position 2578, C replaced by A.
Protein change: p.Gln860Lys; replaces glutamine 860 with lysine.
Molecular consequence: missense variant.
Genome position (GRCh38, 1-based): chr2:96,290,490, G>T on the plus strand (C>A on the coding strand, the complement: SNRNP200 is on the minus strand). VCF-style: chr2-96290490-G-T. GRCh37 (hg19) VCF-style: chr2-96956228-G-T.
Other names: short protein forms Q860K.
Identifiers: ClinVar variation 3775191 (VCV003775191.3).

ClinVar aggregate classification (germline): Uncertain significance. Review status: criteria provided, multiple submitters, no conflicts (2 of 4 stars). 3 submissions from 3 submitters: Uncertain significance (3). Last evaluated 2025-06-10.

Conditions:
Retinitis pigmentosa 33 (RP33). Identifiers: Orphanet 791, MedGen C1835895, MONDO:0012477, OMIM 610359.
Cone-rod dystrophy. Also called: Cone/cone-rod dystrophy; Cone-rod degeneration. Identifiers: Orphanet 1872, MedGen C4085590, MONDO:0015993, HP:0000548.

Submissions (3):

Labcorp Genetics (formerly Invitae), Labcorp
Classification: Uncertain significance. Last evaluated: 2025-06-10. Review status: criteria provided, single submitter. Criteria: Invitae Variant Classification Sherloc (09022015). Collection method: clinical testing. Allele origin: germline.
Comment: This sequence change replaces glutamine, which is neutral and polar, with lysine, which is basic and polar, at codon 860 of the SNRNP200 protein (p.Gln860Lys). This variant is not present in population databases (gnomAD no frequency). This variant has not been reported in the literature in individuals affected with SNRNP200-related conditions. ClinVar contains an entry for this variant (Variation ID: 3775191). Invitae Evidence Modeling of protein sequence and biophysical properties (such as structural, functional, and spatial information, amino acid conservation, physicochemical variation, residue mobility, and thermodynamic stability) has been performed for this missense variant. However, the output from this modeling did not meet the statistical confidence thresholds required to predict the impact of this variant on SNRNP200 protein function. In summary, the available evidence is currently insufficient to determine the role of this variant in disease. Therefore, it has been classified as a Variant of Uncertain Significance.

3billion
Classification: Uncertain significance for Retinitis pigmentosa 33. Last evaluated: 2023-08-29. Review status: criteria provided, single submitter. Criteria: ACMG Guidelines, 2015. Collection method: clinical testing. Allele origin: germline. Affected: yes.
Comment: The variant is not observed in the gnomAD v2.1.1 dataset. Predicted Consequence/Location: Missense changes are a common disease-causing mechanism. In silico tool predictions suggest damaging effect of the variant on gene or gene product [REVEL: 0.86 (>=0.6, sensitivity 0.68 and specificity 0.92)]. A different missense change at the same codon (p.Gln860His) has been reported to be associated with SNRNP200 related disorder (PMID: 36460718). However the evidence of pathogenicity is insufficient at this time. Therefore, this variant is classified as VUS according to the recommendation of ACMG/AMP guideline.

Cambridge Genomics Laboratory, East Genomic Laboratory Hub, NHS Genomic Medicine Service
Classification: Uncertain significance for Cone-rod dystrophy. Last evaluated: 2019-11-29. Review status: criteria provided, single submitter. Criteria: ACGS Best Practice Guidelines for Variant Classification in Rare Disease 2020. Collection method: clinical testing. Allele origin: germline. Affected: yes. Observed: 1 variant allele.

Literature cited by the submitters: PubMed 36460718 (cited by 3billion).